The following is an entry in ClinVar:

NM_152564.5(VPS13B):c.382G>A (p.Ala128Thr)

Gene: VPS13B (vacuolar protein sorting 13 homolog B; plus strand). Cytogenetic location: 8q22.2.
Variant type: single nucleotide variant.
Coding change: c.382G>A on transcript NM_152564.5 (MANE Select); coding-DNA position 382, G replaced by A.
Protein change: p.Ala128Thr; replaces alanine 128 with threonine.
Molecular consequence: missense variant. On other transcripts: non-coding transcript variant (1).
Genome position (GRCh38, 1-based): chr8:99,096,402, G>A. VCF-style: chr8-99096402-G-A. GRCh37 (hg19) VCF-style: chr8-100108630-G-A.
Other names: c.382G>A, p.Ala128Thr (NM_015243.3, NM_017890.5, NM_181661.3); short protein forms A128T.
Identifiers: ClinVar variation 1960553 (VCV001960553.4), dbSNP rs763964256, ClinGen allele CA371858198.

ClinVar aggregate classification (germline): Uncertain significance (1 of 4 stars; one submission).

Conditions:
Cohen syndrome (COH1). Also called: Cutis verticis gyrata, retinitis pigmentosa, and sensorineural deafness; PEPPER SYNDROME. Identifiers: Orphanet 193, MedGen C0265223, MONDO:0008999, OMIM 216550.

gnomAD v4.1: 3 of 1,614,076 alleles (0.00019%); highest among the groups gnomAD compares: Non-Finnish European, 0.00025%; no homozygotes.

Submission:

Labcorp Genetics (formerly Invitae), Labcorp
Classification: Uncertain significance for Cohen syndrome. Last evaluated: 2022-05-22. Review status: criteria provided, single submitter. Criteria: Invitae Variant Classification Sherloc (09022015). Collection method: clinical testing. Allele origin: germline.
Comment: This sequence change replaces alanine, which is neutral and non-polar, with threonine, which is neutral and polar, at codon 128 of the VPS13B protein (p.Ala128Thr). In summary, the available evidence is currently insufficient to determine the role of this variant in disease. Therefore, it has been classified as a Variant of Uncertain Significance. Algorithms developed to predict the effect of missense changes on protein structure and function output the following: SIFT: "Not Available"; PolyPhen-2: "Benign"; Align-GVGD: "Not Available". The threonine amino acid residue is found in multiple mammalian species, which suggests that this missense change does not adversely affect protein function. This variant has not been reported in the literature in individuals affected with VPS13B-related conditions. This variant is not present in population databases (gnomAD no frequency).